The following is an entry in ClinVar:

ClinVar aggregate classification (germline): Uncertain significance (1 of 4 stars; one submission).

Conditions:
Inborn genetic diseases. Identifiers: MedGen C0950123, MeSH D030342.

gnomAD v4.1: 1 of 1,613,650 alleles (0.000062%); highest among the groups gnomAD compares: African/African-American, 0.0013%; no homozygotes.

Submission:

Ambry Genetics
Classification: Uncertain significance for Inborn genetic diseases. Last evaluated: 2026-07-04. Review status: criteria provided, single submitter. Criteria: Ambry Variant Classification Scheme 2023. Collection method: clinical testing. Allele origin: germline.
Comment: The p.M484L variant (also known as c.1450A>T), located in coding exon 11 of the CEP57 gene, results from an A to T substitution at nucleotide position 1450. The methionine at codon 484 is replaced by leucine, an amino acid with highly similar properties. This amino acid position is conserved. In addition, the in silico prediction for this alteration is inconclusive. Based on the available evidence, the clinical significance of this variant remains unclear.

NM_014679.5(CEP57):c.1450A>T (p.Met484Leu)

Gene: CEP57 (centrosomal protein 57; plus strand). Cytogenetic location: 11q21.
Variant type: single nucleotide variant.
Coding change: c.1450A>T on transcript NM_014679.5 (MANE Select); coding-DNA position 1450, A replaced by T.
Protein change: p.Met484Leu; replaces methionine 484 with leucine.
Molecular consequence: missense variant.
Genome position (GRCh38, 1-based): chr11:95,831,203, A>T. VCF-style: chr11-95831203-A-T. GRCh37 (hg19) VCF-style: chr11-95564367-A-T.
Other names: c.1423A>T, p.Met475Leu (NM_001243776.2); c.1372A>T, p.Met458Leu (NM_001243777.2); c.1369A>T, p.Met457Leu (NM_001363604.2, NM_001440869.1, NM_001440870.1); c.1189A>T, p.Met397Leu (NM_001440880.1); c.1153A>T, p.Met385Leu (NM_001440881.1); c.1147A>T, p.Met383Leu (NM_001440882.1); c.1342A>T, p.Met448Leu (NM_001440871.1); c.1333A>T, p.Met445Leu (NM_001440872.1); and 6 more; short protein forms M418L, M422L, M424L, M457L, M385L, M421L, M475L, M383L.
Identifiers: ClinVar variation 5034367 (VCV005034367.1).
Genomic context (GRCh38, chr11:95,831,203, plus strand): 5'-GATTTTATGAAACTGAGACCTGGAGAAAAAAGGAGAAAAAATCTTCAGTTATTGAAGGAC[A>T]TGCAAAGCATACAGAATTCATTACAAAGCAGTAGTTTGTGTTGGGATTACTGACTCATAA-3'
Protein context (NP_055494.2, residues 474-494): RRKNLQLLKD[Met484Leu]QSIQNSLQSS